The following is an entry in ClinVar:

ClinVar aggregate classification (germline): Uncertain significance (1 of 4 stars; one submission).

Submission:

GeneDx
Classification: Uncertain significance. Last evaluated: 2019-06-26. Review status: criteria provided, single submitter. Criteria: GeneDx Variant Classification Process June 2021. Collection method: clinical testing. Allele origin: germline. Affected: yes.
Comment: Frameshift variant predicted to result in protein truncation as the last 87 amino acids are lost and replaced with 12 incorrect amino acids, although loss-of-function variants have not been reported downstream of this position in the protein; Has not been previously published as pathogenic or benign to our knowledge; Not observed in large population cohorts (Lek et al., 2016)

NM_001384140.1(PCDH15):c.4955_4959dup (p.Leu1654fs)

Gene: PCDH15 (protocadherin related 15; minus strand). Cytogenetic location: 10q21.1.
Variant type: Duplication.
Coding change: c.4955_4959dup on transcript NM_001384140.1 (MANE Select); coding-DNA positions 4955 to 4959, 5 bases duplicated (ACACA; older notation c.4955_4959dupACACA).
Protein change: p.Leu1654fs; shifts the reading frame from leucine 1654.
Molecular consequence: frameshift variant.
Genome position (GRCh38, 1-based): chr10:53,806,843-53,806,847, TGTGT duplicated on the plus strand (ACACA on the coding strand, the reverse complement: PCDH15 is on the minus strand); duplicating any 5 consecutive bases within chr10:53,806,843-53,806,848 gives the same sequence; the c. name uses the placement nearest the transcript's 3' end. VCF-style (leftmost placement, unchanged base first): chr10-53806842-A-ATGTGT. GRCh37 (hg19) VCF-style: chr10-55566602-A-ATGTGT.
Other names: c.4781_4785dup, p.Leu1596fs (NM_001142771.2); c.4766_4770dup, p.Leu1591fs (NM_001142772.2); c.4760_4764dup, p.Leu1589fs (NM_001354420.2); c.4889_4893dup, p.Leu1632fs (NM_001354429.2); short protein forms L1589fs, L1591fs, L1596fs, L1632fs, L1654fs.
Identifiers: ClinVar variation 1306639 (VCV001306639.2), dbSNP rs1003847739, ClinGen allele CA207196380.